The following is an entry in ClinVar:

NM_001122955.4(BSCL2):c.968G>C (p.Trp323Ser)

Genes: BSCL2 (BSCL2 lipid droplet biogenesis associated, seipin; minus strand), HNRNPUL2-BSCL2 (HNRNPUL2-BSCL2 readthrough (NMD candidate); minus strand). Cytogenetic location: 11q12.3.
Variant type: single nucleotide variant.
Coding change: c.968G>C on transcript NM_001122955.4 (MANE Select); coding-DNA position 968, G replaced by C.
Protein change: p.Trp323Ser; replaces tryptophan 323 with serine.
Molecular consequence: missense variant. On other transcripts: non-coding transcript variant (1), intron variant (1).
Genome position (GRCh38, 1-based): chr11:62,691,317, C>G on the plus strand (G>C on the coding strand, the complement: BSCL2 is on the minus strand). VCF-style: chr11-62691317-C-G. GRCh37 (hg19) VCF-style: chr11-62458789-C-G.
Other names: c.968G>C, p.Trp323Ser (NM_001386027.1, NM_001386028.1); c.776G>C, p.Trp259Ser (NM_032667.6); c.672-176G>C (NM_001130702.2); short protein forms W323S, W259S.
Identifiers: ClinVar variation 411578 (VCV000411578.8), dbSNP rs367783346, ClinGen allele CA16613435.

ClinVar aggregate classification (germline): Uncertain significance. Review status: criteria provided, multiple submitters, no conflicts (2 of 4 stars). 4 submissions from 4 submitters: Uncertain significance (4). Last evaluated 2026-04-22.

Conditions:
BSCL2-related disorder. Also called: BSCL2-Related Disorders; BSCL2-related condition.
Charcot-Marie-Tooth disease type 2. Also called: Charcot-Marie-Tooth type 2. Identifiers: Orphanet 64746, MedGen C0270914, MONDO:0018993.

gnomAD v4.1: 16 of 1,614,060 alleles (0.00099%); highest among the groups gnomAD compares: Non-Finnish European, 0.0014%; no homozygotes.

Submissions (4):

PreventionGenetics, part of Exact Sciences
Classification: Uncertain significance for BSCL2-related condition. Last evaluated: 2026-04-22. Review status: criteria provided, single submitter. Criteria: ACMG Guidelines, 2015. Collection method: clinical testing. Allele origin: germline.
Comment: The BSCL2 c.968G>C variant is predicted to result in the amino acid substitution p.Trp323Ser. To our knowledge, this variant has not been reported in the literature. This variant is reported in 0.0040% of alleles in individuals of African descent in gnomAD. At this time, the clinical significance of this variant is uncertain due to the absence of conclusive functional and genetic evidence.

ARUP Laboratories, Molecular Genetics and Genomics, ARUP Laboratories
Classification: Uncertain significance. Last evaluated: 2023-12-12. Review status: criteria provided, single submitter. Criteria: ARUP Molecular Germline Variant Investigation Process 2024. Collection method: clinical testing. Allele origin: germline.
Comment: The BSCL2 c.776G>C; p.Trp259Ser variant (rs367783346), to our knowledge, is not reported in the medical literature but is reported in ClinVar (Variation ID: 411578). This variant is only observed on two alleles in the Genome Aggregation Database (v2.1.1), indicating it is not a common polymorphism. Computational analyses are uncertain whether this variant is neutral or deleterious (REVEL: 0.465). Due to limited information, the clinical significance of this variant is uncertain at this time.

Labcorp Genetics (formerly Invitae), Labcorp
Classification: Uncertain significance for Charcot-Marie-Tooth disease type 2. Last evaluated: 2023-01-19. Review status: criteria provided, single submitter. Criteria: Invitae Variant Classification Sherloc (09022015). Collection method: clinical testing. Allele origin: germline.
Comment: This sequence change replaces tryptophan, which is neutral and slightly polar, with serine, which is neutral and polar, at codon 259 of the BSCL2 protein (p.Trp259Ser). In summary, the available evidence is currently insufficient to determine the role of this variant in disease. Therefore, it has been classified as a Variant of Uncertain Significance. Advanced modeling of protein sequence and biophysical properties (such as structural, functional, and spatial information, amino acid conservation, physicochemical variation, residue mobility, and thermodynamic stability) performed at Invitae indicates that this missense variant is not expected to disrupt BSCL2 protein function. ClinVar contains an entry for this variant (Variation ID: 411578). This variant has not been reported in the literature in individuals affected with BSCL2-related conditions. This variant is present in population databases (no rsID available, gnomAD 0.004%).

Athena Diagnostics
Classification: Uncertain significance. Last evaluated: 2017-02-02. Review status: criteria provided, single submitter. Criteria: Athena Diagnostics Criteria. Collection method: clinical testing. Allele origin: germline.